The following is an entry in ClinVar:

NM_172362.3(KCNH1):c.829G>T (p.Ala277Ser)

Gene: KCNH1 (potassium voltage-gated channel subfamily H member 1; minus strand). Cytogenetic location: 1q32.2.
Variant type: single nucleotide variant.
Coding change: c.829G>T on transcript NM_172362.3 (MANE Select); coding-DNA position 829, G replaced by T.
Protein change: p.Ala277Ser; replaces alanine 277 with serine.
Molecular consequence: missense variant.
Genome position (GRCh38, 1-based): chr1:211,018,986, C>A on the plus strand (G>T on the coding strand, the complement: KCNH1 is on the minus strand). VCF-style: chr1-211018986-C-A. GRCh37 (hg19) VCF-style: chr1-211192328-C-A.
Other names: c.829G>T, p.Ala277Ser (NM_002238.4); c.829G>T (NM_172362.2); short protein forms A277S.
Identifiers: ClinVar variation 1601212 (VCV001601212.10), dbSNP rs1379093488, ClinGen allele CA344875965.
Genomic context (GRCh38, chr1:211,018,986, plus strand): 5'-CAAACCACGTCTTCAGGTAGTTCATGCGGATAAGTTTGGGGTCAGAAATCACCTCCCCTG[C>A]TGGTCCAACAAAGGTGGTATGAAAATTGAGCACAATGTCCACCAAAAAGATAACATCCAC-3'
Protein context (NP_758872.1, residues 267-287): LNFHTTFVGP[Ala277Ser]GEVISDPKLI

ClinVar aggregate classification (germline): Conflicting classifications of pathogenicity. Review status: criteria provided, conflicting classifications (1 of 4 stars). 3 submissions from 3 submitters: Uncertain significance (2); Benign (1). Last evaluated 2025-09-04.

Conditions:
Inborn genetic diseases. Identifiers: MedGen C0950123, MeSH D030342.

Allele frequency attached by ClinVar (database versions not stated): gnomAD exomes below 0.00001; TOPMed below 0.00001; gnomAD 0.00001.
gnomAD v4.1: 3 of 1,613,964 alleles (0.00019%); highest among the groups gnomAD compares: African/African-American, 0.0013%; no homozygotes.

Submissions (3):

Women's Health and Genetics/Laboratory Corporation of America, LabCorp
Classification: Uncertain significance. Last evaluated: 2025-09-04. Review status: criteria provided, single submitter. Criteria: LabCorp Variant Classification Summary - May 2015. Collection method: clinical testing. Allele origin: germline.
Comment: Variant summary: KCNH1 c.829G>T (p.Ala277Ser) results in a conservative amino acid change in the encoded protein sequence. Algorithms developed to predict the effect of missense changes on protein structure and function are either unavailable or do not agree on the potential impact of this missense change. The variant allele was found at a frequency of 4e-06 in 251158 control chromosomes. The available data on variant occurrences in the general population are insufficient to allow any conclusion about variant significance. To our knowledge, no occurrence of c.829G>T in individuals affected with KCNH1-related conditions and no experimental evidence demonstrating its impact on protein function have been reported. ClinVar contains an entry for this variant (Variation ID: 1601212). Based on the evidence outlined above, the variant was classified as uncertain significance.

Ambry Genetics
Classification: Uncertain significance for Inborn genetic diseases. Last evaluated: 2025-01-22. Review status: criteria provided, single submitter. Criteria: Ambry Variant Classification Scheme 2023. Collection method: clinical testing. Allele origin: germline.

Labcorp Genetics (formerly Invitae), Labcorp
Classification: Benign. Last evaluated: 2024-08-13. Review status: criteria provided, single submitter. Criteria: Invitae Variant Classification Sherloc (09022015). Collection method: clinical testing. Allele origin: germline.